The following is an entry in ClinVar:

ClinVar aggregate classification (germline): Uncertain significance. Review status: criteria provided, multiple submitters, no conflicts (2 of 4 stars). 2 submissions from 2 submitters: Uncertain significance (2). Last evaluated 2026-03-11.

Conditions:
Familial thoracic aortic aneurysm and aortic dissection (TAAD). Also called: Thoracic aortic aneurysms and dissections. Identifiers: Orphanet 91387, MedGen C4707243, MONDO:0019625.

Submissions (2):

GeneDx
Classification: Uncertain significance. Last evaluated: 2026-03-11. Review status: criteria provided, single submitter. Criteria: GeneDx Variant Classification Process June 2021. Collection method: clinical testing. Allele origin: germline.
Comment: Not observed at significant frequency in large population cohorts (gnomAD); In silico analysis supports that this missense variant has a deleterious effect on protein structure/function; Has not been previously published as pathogenic or benign to our knowledge

Color Diagnostics, LLC DBA Color Health
Classification: Uncertain significance for Familial thoracic aortic aneurysm and aortic dissection. Last evaluated: 2025-07-07. Review status: criteria provided, single submitter. Criteria: ACMG Guidelines, 2015. Collection method: clinical testing. Allele origin: germline.
Comment: This missense variant replaces aspartic acid with asparagine at codon 592 of the MYH11 protein. Computational prediction suggests that this variant may not impact protein structure and function. To our knowledge, functional studies have not been reported for this variant. This variant has not been reported in individuals affected with MYH11-related disorders in the literature. This variant has not been identified in the general population by the Genome Aggregation Database (gnomAD). The available evidence is insufficient to determine the role of this variant in disease conclusively. Therefore, this variant is classified as a Variant of Uncertain Significance.

NM_002474.3(MYH11):c.1753G>A (p.Asp585Asn)

Gene: MYH11 (myosin heavy chain 11; minus strand). Cytogenetic location: 16p13.11.
Variant type: single nucleotide variant.
Coding change: c.1753G>A on transcript NM_002474.3 (MANE Select); coding-DNA position 1753, G replaced by A.
Protein change: p.Asp585Asn; replaces aspartic acid 585 with asparagine.
Molecular consequence: missense variant.
Genome position (GRCh38, 1-based): chr16:15,753,505, C>T on the plus strand (G>A on the coding strand, the complement: MYH11 is on the minus strand). VCF-style: chr16-15753505-C-T. GRCh37 (hg19) VCF-style: chr16-15847362-C-T.
Other names: c.1774G>A, p.Asp592Asn (NM_001040113.2, NM_001040114.2); c.1753G>A, p.Asp585Asn (NM_022844.3); c.1753G>A (NM_002474.2); short protein forms D585N, D592N.
Identifiers: ClinVar variation 4757449 (VCV004757449.2).